The following is an entry in ClinVar:

NM_000038.6(APC):c.8496_8497delinsAT (p.Arg2833Cys)

Gene: APC (APC regulator of Wnt signaling pathway; plus strand). Cytogenetic location: 5q22.2.
Variant type: Indel.
Coding change: c.8496_8497delinsAT on transcript NM_000038.6 (MANE Select); coding-DNA positions 8496 to 8497, GC replaced by AT.
Protein change: p.Arg2833Cys; replaces arginine 2833 with cysteine.
Molecular consequence: missense variant. On other transcripts: non-coding transcript variant (2).
Genome position (GRCh38, 1-based): chr5:112,844,090-112,844,091, GC replaced by AT. VCF-style: chr5-112844090-GC-AT. GRCh37 (hg19) VCF-style: chr5-112179787-GC-AT.
Other names: c.8496_8497delinsAT, p.Arg2833Cys (NM_001127510.3, NM_001354895.2, NM_001407450.1); c.8442_8443delinsAT, p.Arg2815Cys (NM_001127511.3); c.8550_8551delinsAT, p.Arg2851Cys (NM_001354896.2, NM_001407447.1, NM_001407448.1 and 1 more transcripts); c.8526_8527delinsAT, p.Arg2843Cys (NM_001354897.2); c.8421_8422delinsAT, p.Arg2808Cys (NM_001354898.2); c.8412_8413delinsAT, p.Arg2805Cys (NM_001354899.2); c.8373_8374delinsAT, p.Arg2792Cys (NM_001354900.2); c.8319_8320delinsAT, p.Arg2774Cys (NM_001354901.2, NM_001407453.1); and 11 more; short protein forms R2704C, R2732C, R2815C, R2823C, R2550C, R2707C, R2861C, R2742C.
Identifiers: ClinVar variation 2773781 (VCV002773781.2), dbSNP rs2533872222, ClinGen allele CA2697546420.

ClinVar aggregate classification (germline): Uncertain significance (1 of 4 stars; one submission).

Conditions:
Hereditary cancer-predisposing syndrome. Also called: Hereditary neoplastic syndrome; Hereditary Cancer Syndrome; Neoplastic Syndromes, Hereditary; Tumor predisposition. Identifiers: Orphanet 140162, MedGen C0027672, MeSH D009386, MONDO:0015356.

Submission:

Color Diagnostics, LLC DBA Color Health
Classification: Uncertain significance for Hereditary cancer-predisposing syndrome. Last evaluated: 2021-12-16. Review status: criteria provided, single submitter. Criteria: ACMG Guidelines, 2015. Collection method: clinical testing. Allele origin: germline.
Comment: This missense variant replaces arginine with cysteine at codon 2833 of the APC protein. To our knowledge, functional studies have not been reported for this variant. This variant has been reported in an individual affected with melanoma (PMID: 29684080). This variant has not been identified in the general population by the Genome Aggregation Database (gnomAD). The available evidence is insufficient to determine the role of this variant in disease conclusively. Therefore, this variant is classified as a Variant of Uncertain Significance.

Literature cited by the submitters: PubMed 29684080.